The following is an entry in ClinVar:

ClinVar aggregate classification (germline): Conflicting classifications of pathogenicity. Review status: criteria provided, conflicting classifications (1 of 4 stars). 3 submissions from 3 submitters: Uncertain significance (2); Likely benign (1). Last evaluated 2026-02-06.

Conditions:
Dilated cardiomyopathy 1GG (CMD1GG). Identifiers: Orphanet 154, MedGen C3150898, MONDO:0013339, OMIM 613642.
Neurodegeneration with ataxia and late-onset optic atrophy. Identifiers: MedGen C5543254, MONDO:0031006, OMIM 619259.
Mitochondrial complex II deficiency, nuclear type 1. Also called: SUCCINATE CoQ REDUCTASE DEFICIENCY. Identifiers: Orphanet 3208, MedGen C5700310, MONDO:0100294, OMIM 252011.
Pheochromocytoma/paraganglioma syndrome 5. Also called: SDHA-Related Hereditary Paraganglioma-Pheochromocytoma Syndrome; Paragangliomas 5. Identifiers: Orphanet 29072, MedGen C3279992, MONDO:0013602, OMIM 614165.
Hereditary cancer-predisposing syndrome. Also called: Neoplastic Syndromes, Hereditary; Hereditary Cancer Syndrome; Tumor predisposition; Hereditary neoplastic syndrome. Identifiers: Orphanet 140162, MedGen C0027672, MeSH D009386, MONDO:0015356.

gnomAD v4.1: 6 of 1,614,222 alleles (0.00037%); highest among the groups gnomAD compares: Non-Finnish European, 0.00051%; no homozygotes.

Submissions (3):

Ambry Genetics
Classification: Likely benign for Hereditary cancer-predisposing syndrome. Last evaluated: 2026-02-06. Review status: criteria provided, single submitter. Criteria: Ambry Variant Classification Scheme 2023. Collection method: clinical testing. Allele origin: germline.

Labcorp Genetics (formerly Invitae), Labcorp
Classification: Uncertain significance for Pheochromocytoma/paraganglioma syndrome 5; Mitochondrial complex II deficiency, nuclear type 1. Last evaluated: 2024-10-23. Review status: criteria provided, single submitter. Criteria: Invitae Variant Classification Sherloc (09022015). Collection method: clinical testing. Allele origin: germline.
Comment: This sequence change replaces valine, which is neutral and non-polar, with leucine, which is neutral and non-polar, at codon 333 of the SDHA protein (p.Val333Leu). This variant is not present in population databases (gnomAD no frequency). This variant has not been reported in the literature in individuals affected with SDHA-related conditions. ClinVar contains an entry for this variant (Variation ID: 412337). Invitae Evidence Modeling of protein sequence and biophysical properties (such as structural, functional, and spatial information, amino acid conservation, physicochemical variation, residue mobility, and thermodynamic stability) indicates that this missense variant is not expected to disrupt SDHA protein function with a negative predictive value of 95%. In summary, the available evidence is currently insufficient to determine the role of this variant in disease. Therefore, it has been classified as a Variant of Uncertain Significance.

Fulgent Genetics
Classification: Uncertain significance for Mitochondrial complex II deficiency, nuclear type 1; Dilated cardiomyopathy 1GG; Pheochromocytoma/paraganglioma syndrome 5; Neurodegeneration with ataxia and late-onset optic atrophy. Last evaluated: 2021-10-29. Review status: criteria provided, single submitter. Criteria: ACMG Guidelines, 2015. Collection method: clinical testing. Allele origin: unknown.

NM_004168.4(SDHA):c.997G>C (p.Val333Leu)

Gene: SDHA (succinate dehydrogenase complex flavoprotein subunit A; plus strand). Cytogenetic location: 5p15.33.
Variant type: single nucleotide variant.
Coding change: c.997G>C on transcript NM_004168.4 (MANE Select); coding-DNA position 997, G replaced by C.
Protein change: p.Val333Leu; replaces valine 333 with leucine.
Molecular consequence: missense variant.
Genome position (GRCh38, 1-based): chr5:233,578, G>C. VCF-style: chr5-233578-G-C. GRCh37 (hg19) VCF-style: chr5-233693-G-C.
Other names: c.853G>C, p.Val285Leu (NM_001294332.2); c.997G>C, p.Val333Leu (NM_001330758.2); short protein forms V333L, V285L.
Identifiers: ClinVar variation 412337 (VCV000412337.14), dbSNP rs1062468, ClinGen allele CA16611946.